The following is an entry in ClinVar:

ClinVar aggregate classification (germline): Conflicting classifications of pathogenicity. Review status: criteria provided, conflicting classifications (1 of 4 stars). 6 submissions from 5 submitters: Uncertain significance (2); Likely benign (2). 2 of the submissions do not count toward it. Last evaluated 2026-01-22.

Conditions:
Epidermodysplasia verruciformis. Identifiers: Orphanet 302, MedGen C0014522, MONDO:0009176.
Epidermodysplasia verruciformis, susceptibility to, 2. Also called: Epidermodysplasia verruciformis 2. Identifiers: MedGen C4722258, MONDO:0032614, OMIM 618231.
Epidermodysplasia verruciformis, susceptibility to, 1. Identifiers: Orphanet 302, MedGen C4722564, MONDO:0100045, OMIM 226400.

Allele frequency attached by ClinVar (database versions not stated): 1000 Genomes Project 30x 0.00031; 1000 Genomes Project 0.00040; ExAC 0.00120; gnomAD exomes 0.00126 and 0.00238; TOPMed 0.00142; gnomAD 0.00153 and 0.00158; ESP Exome Variant Server 0.00192.
gnomAD v4.1: 3,678 of 1,613,946 alleles (0.23%); highest among the groups gnomAD compares: Non-Finnish European, 0.29%; 5 homozygotes.

Submissions (6):

Labcorp Genetics (formerly Invitae), Labcorp
Classification: Likely benign for Epidermodysplasia verruciformis. Last evaluated: 2026-01-22. Review status: criteria provided, single submitter. Criteria: Invitae Variant Classification Sherloc (09022015). Collection method: clinical testing. Allele origin: germline.

Blueprint Genetics
Classification: Likely benign. Last evaluated: 2024-11-25. Review status: criteria provided, single submitter. Criteria: ACMG Guidelines, 2015. Collection method: clinical testing. Allele origin: germline.

Center for Genomics, Ann and Robert H. Lurie Children's Hospital of Chicago
Classification: Uncertain significance for Epidermodysplasia verruciformis, susceptibility to, 2. Last evaluated: 2021-03-30. Review status: criteria provided, single submitter. Criteria: ACMG Guidelines, 2015. Collection method: clinical testing. Allele origin: germline.
Comment: TMC8 NM_152468.4 exon 12 p.Arg455Gln (c.1364G>A): This variant has not been reported in the literature but is present in 0.2% (25/10312) of Ashkenazi Jewish alleles in the Genome Aggregation Database. This variant is present in ClinVar (Variation ID: 526232). This variant amino acid glutamine (Gln) is present in 2 species (Rhesus and Macaque) is not well conserved among evolutionarily distant species; this suggests that this variant may not impact the protein. Additional computational prediction tools do not suggest an impact. In summary, data on this variant is insufficient for disease classification. Therefore, the clinical significance of this variant is uncertain.

Center for Genomics, Ann and Robert H. Lurie Children's Hospital of Chicago
Classification: Uncertain significance for Epidermodysplasia verruciformis, susceptibility to, 1. Last evaluated: 2020-02-12. Review status: criteria provided, single submitter. Criteria: ACMG Guidelines, 2015. Collection method: clinical testing. Allele origin: germline.
Comment: the same text as in the submission from Center for Genomics, Ann and Robert H. Lurie Children's Hospital of Chicago above.

Clinical Genetics DNA and cytogenetics Diagnostics Lab, Erasmus MC, Erasmus Medical Center
Classification: Likely benign. Review status: no assertion criteria provided. Collection method: clinical testing. Allele origin: germline. Affected: yes. Study: VKGL Data-share Consensus. Not counted in ClinVar's aggregate classification.

Genome Diagnostics Laboratory, University Medical Center Utrecht
Classification: Likely benign. Review status: no assertion criteria provided. Collection method: clinical testing. Allele origin: germline. Affected: yes. Study: VKGL Data-share Consensus. Not counted in ClinVar's aggregate classification.

NM_152468.5(TMC8):c.1364G>A (p.Arg455Gln)

Gene: TMC8 (transmembrane channel like 8; plus strand). Cytogenetic location: 17q25.3.
Variant type: single nucleotide variant.
Coding change: c.1364G>A on transcript NM_152468.5 (MANE Select); coding-DNA position 1364, G replaced by A.
Protein change: p.Arg455Gln; replaces arginine 455 with glutamine.
Molecular consequence: missense variant.
Genome position (GRCh38, 1-based): chr17:78,138,019, G>A. VCF-style: chr17-78138019-G-A. GRCh37 (hg19) VCF-style: chr17-76134100-G-A.
Other names: short protein forms R455Q.
Identifiers: ClinVar variation 526232 (VCV000526232.16), dbSNP rs151076155, ClinGen allele CA8796853.
Genomic context (GRCh38, chr17:78,138,019, plus strand): 5'-GCATCTGTCTGGAGTGGTGAGTACCTGGACCCTCCCATCCCTGCAGGCTGCTGGTGGACC[G>A]GTTCTCAGGCCGGTTCTGGGCCTGGCTGGAACGGGAGGAGTTCCTGGTCCCCAAGAATGT-3'
Protein context (NP_689681.2, residues 445-465): VTLPRRLLVD[Arg455Gln]FSGRFWAWLE